The following is an entry in ClinVar:

NM_001195518.2(MICU1):c.439_440del (p.Met147fs)

Gene: MICU1 (mitochondrial calcium uptake 1; minus strand). Cytogenetic location: 10q22.1.
Variant type: Deletion.
Coding change: c.439_440del on transcript NM_001195518.2 (MANE Select); coding-DNA positions 439 to 440, 2 bases deleted (AT; older notation c.439_440delAT).
Protein change: p.Met147fs; shifts the reading frame from methionine 147.
Molecular consequence: frameshift variant.
Genome position (GRCh38, 1-based): chr10:72,551,232-72,551,233, AT deleted on the plus strand (AT on the coding strand, the reverse complement: MICU1 is on the minus strand); deleting any 2 consecutive bases within chr10:72,551,232-72,551,234 gives the same sequence; the c. name uses the placement nearest the transcript's 3' end. VCF-style (leftmost placement, unchanged base first): chr10-72551231-CAT-C. GRCh37 (hg19) VCF-style: chr10-74310989-CAT-C.
Other names: c.439_440del, p.Met147fs (NM_001363513.2, NM_006077.4); short protein forms M147fs.
Identifiers: ClinVar variation 2002061 (VCV002002061.4), dbSNP rs2495642790, ClinGen allele CA2580081904.

ClinVar aggregate classification (germline): Pathogenic (1 of 4 stars; one submission).

Submission:

Labcorp Genetics (formerly Invitae), Labcorp
Classification: Pathogenic. Last evaluated: 2022-06-02. Review status: criteria provided, single submitter. Criteria: Invitae Variant Classification Sherloc (09022015). Collection method: clinical testing. Allele origin: germline.
Comment: This sequence change creates a premature translational stop signal (p.Met147Aspfs*13) in the MICU1 gene. It is expected to result in an absent or disrupted protein product. Loss-of-function variants in MICU1 are known to be pathogenic (PMID: 24336167). This variant is not present in population databases (gnomAD no frequency). This variant has not been reported in the literature in individuals affected with MICU1-related conditions. For these reasons, this variant has been classified as Pathogenic.

Literature cited by the submitters: PubMed 24336167.